The following is an entry in ClinVar:

ClinVar aggregate classification (germline): Uncertain significance (1 of 4 stars; one submission).

gnomAD v4.1: 7 of 1,361,694 alleles (0.00051%); highest among the groups gnomAD compares: African/African-American, 0.0015%; no homozygotes.

Submission:

Labcorp Genetics (formerly Invitae), Labcorp
Classification: Uncertain significance. Last evaluated: 2022-07-19. Review status: criteria provided, single submitter. Criteria: Invitae Variant Classification Sherloc (09022015). Collection method: clinical testing. Allele origin: germline.
Comment: This variant is not present in population databases (gnomAD no frequency). This variant has not been reported in the literature in individuals affected with SAMD11-related conditions. ClinVar contains an entry for this variant (Variation ID: 1056304). Algorithms developed to predict the effect of missense changes on protein structure and function output the following: SIFT: "Tolerated"; PolyPhen-2: "Benign"; Align-GVGD: "Class C0". The serine amino acid residue is found in multiple mammalian species, which suggests that this missense change does not adversely affect protein function. In summary, the available evidence is currently insufficient to determine the role of this variant in disease. Therefore, it has been classified as a Variant of Uncertain Significance. This sequence change replaces proline, which is neutral and non-polar, with serine, which is neutral and polar, at codon 293 of the SAMD11 protein (p.Pro293Ser).

NM_001385641.1(SAMD11):c.1366C>T (p.Pro456Ser)

Gene: SAMD11 (sterile alpha motif domain containing 11; plus strand). Cytogenetic location: 1p36.33.
Variant type: single nucleotide variant.
Coding change: c.1366C>T on transcript NM_001385641.1 (MANE Select); coding-DNA position 1366, C replaced by T.
Protein change: p.Pro456Ser; replaces proline 456 with serine.
Molecular consequence: missense variant.
Genome position (GRCh38, 1-based): chr1:942,143, C>T. VCF-style: chr1-942143-C-T. GRCh37 (hg19) VCF-style: chr1-877523-C-T.
Other names: c.1369C>T, p.Pro457Ser (NM_001385640.1); c.877C>T, p.Pro293Ser (NM_152486.4); short protein forms P293S, P456S, P457S.
Identifiers: ClinVar variation 1056304 (VCV001056304.10), dbSNP rs200195897, ClinGen allele CA337806050.